The following is an entry in ClinVar:

NM_018518.5(MCM10):c.7+24A>T

Gene: MCM10 (minichromosome maintenance 10 replication initiation factor; plus strand). Cytogenetic location: 10p13.
Variant type: single nucleotide variant.
Coding change: c.7+24A>T on transcript NM_018518.5 (MANE Select); 24 bases into the intron after coding-DNA position 7, A replaced by T.
Molecular consequence: intron variant.
Genome position (GRCh38, 1-based): chr10:13,164,233, A>T. VCF-style: chr10-13164233-A-T. GRCh37 (hg19) VCF-style: chr10-13206233-A-T.
Other names: c.7+24A>T (NM_182751.3).
Identifiers: ClinVar variation 2688292 (VCV002688292.2), dbSNP rs7090944, ClinGen allele CA5411085.

ClinVar aggregate classification (germline): Benign (1 of 4 stars; one submission).

Allele frequency attached by ClinVar (database versions not stated): ESP Exome Variant Server 0.74827; gnomAD 0.76245; gnomAD exomes 0.76997; TOPMed 0.77247; 1000 Genomes Project 30x 0.79388; 1000 Genomes Project 0.79692; ExAC 0.79794.
gnomAD v4.1: 1,221,025 of 1,585,578 alleles (77%); highest among the groups gnomAD compares: Middle Eastern, 91%; 471,722 homozygotes.

Submission:

Unidad de Genómica Garrahan, Hospital de Pediatría Garrahan
Classification: Benign. Last evaluated: 2024-01-24. Review status: criteria provided, single submitter. Criteria: ACMG Guidelines, 2015. Collection method: clinical testing. Allele origin: germline. Affected: no. Observed: 91 variant alleles.
Comment: This variant is classified as Benign based on local population frequency. This variant was detected in 96% of patients studied by a panel of primary immunodeficiencies. Number of patients: 91. Only high quality variants are reported.